The following is an entry in ClinVar:

NM_001754.5(RUNX1):c.813del (p.Arg271fs)

Gene: RUNX1 (RUNX family transcription factor 1; minus strand). Cytogenetic location: 21q22.12.
Variant type: Deletion.
Coding change: c.813del on transcript NM_001754.5 (MANE Select); coding-DNA position 813, one base deleted (G; older notation c.813delG).
Protein change: p.Arg271fs; shifts the reading frame from arginine 271.
Molecular consequence: frameshift variant.
Genome position (GRCh38, 1-based): chr21:34,799,455, C deleted on the plus strand (G on the coding strand, the reverse complement: RUNX1 is on the minus strand); the first of 2 consecutive C bases (chr21:34,799,455-34,799,456); deleting either gives the same sequence. VCF-style (leftmost placement, unchanged base first): chr21-34799454-GC-G. GRCh37 (hg19) VCF-style: chr21-36171751-GC-G.
Other names: NM_001754.5(RUNX1):c.813del; p.Arg271fs; c.732del, p.Arg244fs (NM_001001890.3); c.813delG (NM_001754.4); short protein forms R244fs, R271fs.
Identifiers: ClinVar variation 1066009 (VCV001066009.10), dbSNP rs2145910106, ClinGen allele CA2499225873.

ClinVar aggregate classification (germline): Likely pathogenic. Review status: reviewed by expert panel (3 of 4 stars). 3 submissions from 3 submitters: Likely pathogenic (1). 2 of the submissions do not count toward it. Last evaluated 2026-10-02.

Conditions:
Hereditary thrombocytopenia and hematologic cancer predisposition syndrome. Identifiers: Orphanet 71290, MedGen CN281654, MONDO:0011071.
Hereditary thrombocytopenia and hematological cancer predisposition syndrome associated with RUNX1. Also called: RUNX1 Familial Platelet Disorder with Associated Myeloid Malignancies; Familial Platelet Disorder with Propensity to Acute Myelogenous Leukemia; Familial thrombocytopenia with propensity to acute myelogenous leukemia; PLATELET DISORDER, ASPIRIN-LIKE. Identifiers: Orphanet 71290, MedGen C1832388, MeSH C563324, MONDO:0100083, OMIM 601399.
RUNX1-related disorder. Also called: RUNX1-related condition.

Submissions (3):

ClinGen Myeloid Malignancy Variant Curation Expert Panel
Classification: Likely pathogenic for Hereditary thrombocytopenia and hematologic cancer predisposition syndrome. Last evaluated: 2026-10-02. Review status: reviewed by expert panel. Criteria: ClinGen MyeloMalig ACMG Specifications V3.1. Collection method: curation. Allele origin: germline. Inheritance: Autosomal dominant inheritance.
Comment: NM_001754.5(RUNX1):c.813del (p.Arg271fs) is a frameshift variant which is not predicted to undergo NMD (PVS1_Strong). This variant is downstream of c.98 (PM5_Supporting) and is completely absent from all population databases with at least 20x coverage for RUNX1 (PM2_Supporting). In summary, this variant meets criteria to be classified as likely pathogenic. ACMG/AMP criteria applied, as specified by the ClinGen Myeloid Malignancy Variant Curation Expert Panel for RUNX1: PVS1_Strong, PM5_Supporting, PM2_Supporting.

PreventionGenetics, part of Exact Sciences
Classification: Likely pathogenic for RUNX1-related condition. Last evaluated: 2026-07-14. Review status: criteria provided, single submitter. Criteria: ACMG Guidelines, 2015. Collection method: clinical testing. Allele origin: germline. Not counted in ClinVar's aggregate classification.
Comment: The RUNX1 c.813delG variant is predicted to result in a frameshift and premature protein termination (p.Arg271Serfs*40). To our knowledge, this variant has not been reported in the literature or in a large population database (gnomAD), indicating this variant is rare. Frameshift variants in RUNX1 are expected to be pathogenic. This variant is interpreted as likely pathogenic.

Labcorp Genetics (formerly Invitae), Labcorp
Classification: Pathogenic for Hereditary thrombocytopenia and hematological cancer predisposition syndrome associated with RUNX1. Last evaluated: 2024-04-17. Review status: criteria provided, single submitter. Criteria: Invitae Variant Classification Sherloc (09022015). Collection method: clinical testing. Allele origin: germline. Not counted in ClinVar's aggregate classification.
Comment: This sequence change creates a premature translational stop signal (p.Arg271Serfs*40) in the RUNX1 gene. While this is not anticipated to result in nonsense mediated decay, it is expected to disrupt the last 210 amino acid(s) of the RUNX1 protein. This variant is not present in population databases (gnomAD no frequency). This variant has not been reported in the literature in individuals affected with RUNX1-related conditions. ClinVar contains an entry for this variant (Variation ID: 1066009). This variant disrupts the transcriptional activation domain, inhibitory domain, and VWRPY domain of the RUNX1 protein, which are important for regulating RUNX1 protein stability and function (PMID: 22689681, 23753029, 15749889, 14504086). While functional studies have not been performed to directly test the effect of this variant on RUNX1 protein function, this suggests that disruption of this region of the protein is causative of disease. This variant disrupts a region of the RUNX1 protein in which other variant(s) (p.Arg320*) have been determined to be pathogenic (PMID: 18723428, 22318203, 25840971, 31064749, 32208489; external communications). This suggests that this is a clinically significant region of the protein, and that variants that disrupt it are likely to be disease-causing. For these reasons, this variant has been classified as Pathogenic.

Literature cited by the submitters: PubMed 22689681 (cited by Labcorp Genetics (formerly Invitae), Labcorp); PubMed 23753029 (cited by Labcorp Genetics (formerly Invitae), Labcorp); PubMed 15749889 (cited by Labcorp Genetics (formerly Invitae), Labcorp); PubMed 14504086 (cited by Labcorp Genetics (formerly Invitae), Labcorp); PubMed 18723428 (cited by Labcorp Genetics (formerly Invitae), Labcorp); PubMed 22318203 (cited by Labcorp Genetics (formerly Invitae), Labcorp); PubMed 25840971 (cited by Labcorp Genetics (formerly Invitae), Labcorp); PubMed 31064749 (cited by Labcorp Genetics (formerly Invitae), Labcorp); PubMed 32208489 (cited by Labcorp Genetics (formerly Invitae), Labcorp).